The following is an entry in ClinVar:

ClinVar aggregate classification (germline): Uncertain significance (1 of 4 stars; one submission).

Submissions (2):

GeneDx
Classification: Uncertain significance. Last evaluated: 2025-07-10. Review status: criteria provided, single submitter. Criteria: GeneDx Variant Classification Process June 2021. Collection method: clinical testing. Allele origin: germline. Affected: yes.
Comment: Not observed at significant frequency in large population cohorts (gnomAD); Canonical splice site variant in a gene or region of a gene for which loss of function is not a well-established mechanism of disease; Has not been previously published as pathogenic or benign to our knowledge

Dr. Peter K. Rogan Lab, Western University
No classification provided (evidence only). Condition: Ovarian serous cystadenocarcinoma. Review status: no classification provided. Collection method: in vitro. Allele origin: not applicable. Functional consequence: retained intron. Not counted in ClinVar's aggregate classification.

NM_001012614.2(CTBP1):c.7+1G>A

Gene: CTBP1 (C-terminal binding protein 1; minus strand). Cytogenetic location: 4p16.3.
Variant type: single nucleotide variant.
Coding change: c.7+1G>A on transcript NM_001012614.2 (MANE Select); the canonical splice donor site of the intron after coding-DNA position 7, G replaced by A.
Molecular consequence: splice donor variant. On other transcripts: intron variant (2).
Genome position (GRCh38, 1-based): chr4:1,241,324, C>T on the plus strand (G>A on the coding strand, the complement: CTBP1 is on the minus strand). VCF-style: chr4-1241324-C-T. GRCh37 (hg19) VCF-style: chr4-1235112-C-T.
Other names: NC_000004.11:g.1235112C>T; c.7+1G>A (NM_001377192.1, NM_001377189.1, NM_001377193.1 and 4 more transcripts); c.41-2987G>A (NM_001328.3, NM_001377186.1).
Identifiers: ClinVar variation 4302032 (VCV004302032.2).
Genomic context (GRCh38, chr4:1,241,324, plus strand): 5'-CACGGTCGCAAAGAGACCGGCCGGCTTCACTCTGCCGCCGACGCCAGGAACCCCTACCAA[C>T]CTGACATCTCTTAATATGGGCTCAGCTTCCACGACCATGAATTCGACTTTTCAAAGCTTT-3'